The following is an entry in ClinVar:

NC_000023.10:g.(?_31854910)_(31872176_?)del

Gene: DMD (dystrophin; minus strand). Cytogenetic location: Xp21.1.
Variant type: Deletion.
Identifiers: ClinVar variation 2424999 (VCV002424999.5).

ClinVar aggregate classification (germline): Likely pathogenic (1 of 4 stars; one submission).

Conditions:
Duchenne muscular dystrophy (DMD). Also called: Duchenne Muscular Dystrophy (DMD); MUSCULAR DYSTROPHY, PSEUDOHYPERTROPHIC PROGRESSIVE, DUCHENNE TYPE. Identifiers: Orphanet 98896, MedGen C0013264, MONDO:0010679, OMIM 310200.

Submission:

Labcorp Genetics (formerly Invitae), Labcorp
Classification: Likely pathogenic for Duchenne muscular dystrophy. Last evaluated: 2022-08-23. Review status: criteria provided, single submitter. Criteria: Invitae Variant Classification Sherloc (09022015). Collection method: clinical testing. Allele origin: germline.
Comment: In summary, the currently available evidence indicates that the variant is pathogenic, but additional data are needed to prove that conclusively. Therefore, this variant has been classified as Likely Pathogenic. This variant has not been reported in the literature in individuals affected with DMD-related conditions. This variant results in the deletion of part of exon 49 (c.7099-17240_7125del) of the DMD gene. It is expected to disrupt RNA splicing. Variants that disrupt the donor or acceptor splice site typically lead to a loss of protein function (PMID: 16199547), and loss-of-function variants in DMD are known to be pathogenic (PMID: 16770791, 25007885).

Literature cited by the submitters: PubMed 16199547; PubMed 16770791; PubMed 25007885.